The following is an entry in ClinVar:

NM_033109.5(PNPT1):c.2275G>T (p.Val759Leu)

Gene: PNPT1 (polyribonucleotide nucleotidyltransferase 1; minus strand). Cytogenetic location: 2p16.1.
Variant type: single nucleotide variant.
Coding change: c.2275G>T on transcript NM_033109.5 (MANE Select); coding-DNA position 2275, G replaced by T.
Protein change: p.Val759Leu; replaces valine 759 with leucine.
Molecular consequence: missense variant.
Genome position (GRCh38, 1-based): chr2:55,636,314, C>A on the plus strand (G>T on the coding strand, the complement: PNPT1 is on the minus strand). VCF-style: chr2-55636314-C-A. GRCh37 (hg19) VCF-style: chr2-55863449-C-A.
Other names: c.2275G>T (NM_033109.4); short protein forms V759L.
Identifiers: ClinVar variation 1969650 (VCV001969650.4), dbSNP rs145553870, ClinGen allele CA1667729.

ClinVar aggregate classification (germline): Uncertain significance. Review status: criteria provided, multiple submitters, no conflicts (2 of 4 stars). 2 submissions from 2 submitters: Uncertain significance (2). Last evaluated 2025-11-03.

Conditions:
PNPT1-related disorder. Also called: PNPT1-related condition; PNPT1-related disorders.

gnomAD v4.1: 62 of 1,613,876 alleles (0.0038%); highest among the groups gnomAD compares: Non-Finnish European, 0.005%; no homozygotes.

Submissions (2):

Labcorp Genetics (formerly Invitae), Labcorp
Classification: Uncertain significance. Last evaluated: 2025-11-03. Review status: criteria provided, single submitter. Criteria: Invitae Variant Classification Sherloc (09022015). Collection method: clinical testing. Allele origin: germline.
Comment: This sequence change replaces valine, which is neutral and non-polar, with leucine, which is neutral and non-polar, at codon 759 of the PNPT1 protein (p.Val759Leu). This variant is present in population databases (rs145553870, gnomAD 0.002%). This variant has not been reported in the literature in individuals affected with PNPT1-related conditions. ClinVar contains an entry for this variant (Variation ID: 1969650). Invitae Evidence Modeling of protein sequence and biophysical properties (such as structural, functional, and spatial information, amino acid conservation, physicochemical variation, residue mobility, and thermodynamic stability) indicates that this missense variant is not expected to disrupt PNPT1 protein function with a negative predictive value of 95%. In summary, the available evidence is currently insufficient to determine the role of this variant in disease. Therefore, it has been classified as a Variant of Uncertain Significance.

PreventionGenetics, part of Exact Sciences
Classification: Uncertain significance for PNPT1-related condition. Last evaluated: 2025-05-20. Review status: criteria provided, single submitter. Criteria: ACMG Guidelines, 2015. Collection method: clinical testing. Allele origin: germline.
Comment: The PNPT1 c.2275G>T variant is predicted to result in the amino acid substitution p.Val759Leu. To our knowledge, this variant has not been reported in the literature. This variant is reported in 0.0018% of alleles in individuals of European (Non-Finnish) descent in gnomAD. At this time, the clinical significance of this variant is uncertain due to the absence of conclusive functional and genetic evidence.